The following is an entry in ClinVar:

NM_004453.4(ETFDH):c.558A>G (p.Gln186=)

Gene: ETFDH (electron transfer flavoprotein dehydrogenase; plus strand). Cytogenetic location: 4q32.1.
Variant type: single nucleotide variant.
Coding change: c.558A>G on transcript NM_004453.4 (MANE Select); coding-DNA position 558, A replaced by G.
Protein change: p.Gln186=; no amino-acid change (glutamine 186 retained).
Molecular consequence: synonymous variant.
Genome position (GRCh38, 1-based): chr4:158,685,171, A>G. VCF-style: chr4-158685171-A-G. GRCh37 (hg19) VCF-style: chr4-159606323-A-G.
Other names: c.417A>G, p.Gln139= (NM_001281737.2); c.375A>G, p.Gln125= (NM_001281738.1); c.558A>G (NM_004453.3).
Identifiers: ClinVar variation 1588051 (VCV001588051.9), dbSNP rs143688210, ClinGen allele CA3122393.

ClinVar aggregate classification (germline): Likely benign. Review status: criteria provided, multiple submitters, no conflicts (2 of 4 stars). 2 submissions from 2 submitters: Likely benign (2). Last evaluated 2026-01-22.

Conditions:
ETFDH-related disorder. Also called: ETFDH-related condition.
Multiple acyl-CoA dehydrogenase deficiency (MADD). Also called: Glutaric aciduria, type 2; Glutaric acidemia type II; GA 2; Glutaric Acidemia type 2; ETHYLMALONIC-ADIPICACIDURIA; GA II. Identifiers: Orphanet 26791, MedGen C0268596, MONDO:0009282, OMIM 231680.

Allele frequency attached by ClinVar (database versions not stated): gnomAD exomes below 0.00001; ExAC 0.00001; gnomAD 0.00002; TOPMed 0.00002; ESP Exome Variant Server 0.00008.
gnomAD v4.1: 18 of 1,612,868 alleles (0.0011%); highest among the groups gnomAD compares: Non-Finnish European, 0.0014%; no homozygotes.

Submissions (2):

Labcorp Genetics (formerly Invitae), Labcorp
Classification: Likely benign for Multiple acyl-CoA dehydrogenase deficiency. Last evaluated: 2026-01-22. Review status: criteria provided, single submitter. Criteria: Invitae Variant Classification Sherloc (09022015). Collection method: clinical testing. Allele origin: germline.

PreventionGenetics, part of Exact Sciences
Classification: Likely benign for ETFDH-related condition. Last evaluated: 2025-05-22. Review status: criteria provided, single submitter. Criteria: ACMG Guidelines, 2015. Collection method: clinical testing. Allele origin: germline.
Comment: This variant is classified as likely benign based on ACMG/AMP sequence variant interpretation guidelines (Richards et al. 2015 PMID: 25741868, with internal and published modifications).